The following is an entry in ClinVar:

NM_001323289.2(CDKL5):c.99+29T>G

Gene: CDKL5 (cyclin dependent kinase like 5; plus strand). Cytogenetic location: Xp22.13.
Variant type: single nucleotide variant.
Coding change: c.99+29T>G on transcript NM_001323289.2 (MANE Select); 29 bases into the intron after coding-DNA position 99, T replaced by G.
Molecular consequence: intron variant.
Genome position (GRCh38, 1-based): chrX:18,510,883, T>G. VCF-style: chrX-18510883-T-G. GRCh37 (hg19) VCF-style: chrX-18529003-T-G.
Other names: c.99+29T>G (NM_003159.3, NM_001037343.2).
Identifiers: ClinVar variation 156098 (VCV000156098.3), dbSNP rs267608422, ClinGen allele CA199428.

ClinVar aggregate classification (germline): Likely benign. Review status: criteria provided, single submitter (1 of 4 stars). 3 submissions from 2 submitters: Likely benign (1). 2 of the submissions do not count toward it. Last evaluated 2024-07-04.

Conditions:
CDKL5 disorder. Identifiers: MedGen CN296942, MONDO:0100039.

Allele frequency attached by ClinVar (database versions not stated): ExAC 0.00001; gnomAD 0.00001; TOPMed 0.00001; gnomAD exomes 0.00002.
gnomAD v4.1: 4 of 1,050,006 alleles (0.00038%); highest among the groups gnomAD compares: Non-Finnish European, 0.00053%; no homozygotes.

Submissions (3):

Centre for Population Genomics, CPG
Classification: Likely benign for CDKL5 disorder. Last evaluated: 2024-07-04. Review status: criteria provided, single submitter. Criteria: McKnight et al. (Hum Mutat. 2022). Collection method: curation. Allele origin: germline. Inheritance: X-linked inheritance.
Comment: This variant has been collected from RettBASE and curated to current modified ACMG/AMP criteria. Based on the classification scheme defined by the ClinGen Rett/Angelman-like Expert Panel for Rett/AS-like Disorders Specifications to the ACMG/AMP Variant Interpretation Guidelines VCEP 3.0, this variant is classified as likely benign. At least the following criteria are met: The allele frequency of this variant in at least one population in TOPMED is between 0.008% and 0.03% (BS1). Synonymous or intronic variant outside donor and acceptor splice regions where splicing prediction algorithms do not support significant splicing alteration (spliceAI score <=0.1) (BP4, BP7).

RettBASE
Classification: Uncertain significance. Last evaluated: 2014-03-13. Review status: no assertion criteria provided. Collection method: curation. Allele origin: unknown. Observed: 1 variant allele. Not counted in ClinVar's aggregate classification.

RettBASE
No classification provided. Review status: flagged submission. Collection method: not provided. Allele origin: not provided. Not counted in ClinVar's aggregate classification.
ClinVar note: Reason: This record appears to be redundant with a more recent record from the same submitter.
ClinVar note: Notes: SCV000189223 appears to be redundant with SCV000222374.

Literature cited by the submitters: PubMed 19241098 (cited by RettBASE).